The following is an entry in ClinVar:

ClinVar aggregate classification (germline): Benign/Likely benign. Review status: criteria provided, multiple submitters, no conflicts (2 of 4 stars). 2 submissions from 2 submitters: Benign (1); Likely benign (1). Last evaluated 2024-11-27.

Conditions:
Renal cell carcinoma. Identifiers: Orphanet 217071, MedGen C0007134, MeSH D002292, MONDO:0005086, HP:0005584.
Papillary renal cell carcinoma type 1 (RCCP1). Also called: RENAL CELL CARCINOMA, PAPILLARY, 1, SOMATIC; Renal adenocarcinoma; Renal cell carcinoma 1; Renal cell carcinoma, somatic. Identifiers: Orphanet 47044, MedGen C1336839, OMIM 605074, HP:0011797.

Allele frequency attached by ClinVar (database versions not stated): gnomAD exomes below 0.00001; ExAC 0.00001.
gnomAD v4.1: 1 of 1,599,566 alleles (0.000063%); highest among the groups gnomAD compares: African/African-American, 0.0013%; no homozygotes.

Submissions (2):

Labcorp Genetics (formerly Invitae), Labcorp
Classification: Likely benign for Renal cell carcinoma. Last evaluated: 2024-11-27. Review status: criteria provided, single submitter. Criteria: Invitae Variant Classification Sherloc (09022015). Collection method: clinical testing. Allele origin: germline.

Myriad Genetics, Inc.
Classification: Benign for Papillary renal cell carcinoma type 1. Last evaluated: 2024-11-07. Review status: criteria provided, single submitter. Criteria: Myriad Autosomal Dominant, Autosomal Recessive and X-Linked Classification Criteria (2023). Collection method: clinical testing. Allele origin: unknown.
Comment: This variant is considered benign. This variant is a silent/synonymous amino acid change and it is not expected to impact splicing.

NM_000245.4(MET):c.1143C>T (p.Asn381=)

Gene: MET (MET proto-oncogene, receptor tyrosine kinase; plus strand). Cytogenetic location: 7q31.2.
Variant type: single nucleotide variant.
Coding change: c.1143C>T on transcript NM_000245.4 (MANE Select); coding-DNA position 1143, C replaced by T.
Protein change: p.Asn381=; no amino-acid change (asparagine 381 retained).
Molecular consequence: synonymous variant. On other transcripts: intron variant (1).
Genome position (GRCh38, 1-based): chr7:116,700,227, C>T. VCF-style: chr7-116700227-C-T. GRCh37 (hg19) VCF-style: chr7-116340281-C-T.
Other names: c.1143C>T, p.Asn381= (NM_001127500.3, NM_001324401.3); c.-91+27650C>T (NM_001324402.2).
Identifiers: ClinVar variation 753902 (VCV000753902.11), dbSNP rs764685570, ClinGen allele CA4448077.
Genomic context (GRCh38, chr7:116,700,227, plus strand): 5'-CATGTGTGCATTCCCTATCAAATATGTCAACGACTTCTTCAACAAGATCGTCAACAAAAA[C>T]AATGTGAGATGTCTCCAGCATTTTTACGGACCCAATCATGAGCACTGCTTTAATAGGGTA-3'
Protein context (NP_000236.2, residues 371-391): NDFFNKIVNK[Asn381=]NVRCLQHFYG